The following is an entry in ClinVar:

NM_014874.4(MFN2):c.1454C>T (p.Ala485Val)

Gene: MFN2 (mitofusin 2; plus strand). Cytogenetic location: 1p36.22.
Variant type: single nucleotide variant.
Coding change: c.1454C>T on transcript NM_014874.4 (MANE Select); coding-DNA position 1454, C replaced by T.
Protein change: p.Ala485Val; replaces alanine 485 with valine.
Molecular consequence: missense variant.
Genome position (GRCh38, 1-based): chr1:12,004,886, C>T. VCF-style: chr1-12004886-C-T. GRCh37 (hg19) VCF-style: chr1-12064943-C-T.
Other names: c.1454C>T, p.Ala485Val (NM_001127660.2); short protein forms A485V.
Identifiers: ClinVar variation 2844921 (VCV002844921.3), dbSNP rs1418195322, ClinGen allele CA338446819.
Genomic context (GRCh38, chr1:12,004,886, plus strand): 5'-AGCTGCACCGCCACATAGAGGAAGGACTGGGTCGAAACATGTCTGACCGCTGCTCCACGG[C>T]CATCACCAACTCCCTGCAGACCATGCAGCAGGACATGATAGGTTAGTGCCCATGGGGAAC-3'
Protein context (NP_055689.1, residues 475-495): GRNMSDRCST[Ala485Val]ITNSLQTMQQ

ClinVar aggregate classification (germline): Uncertain significance (1 of 4 stars; one submission).

Conditions:
Charcot-Marie-Tooth disease type 2. Also called: Charcot-Marie-Tooth type 2. Identifiers: Orphanet 64746, MedGen C0270914, MONDO:0018993.

Allele frequency attached by ClinVar (database versions not stated): gnomAD exomes below 0.00001; TOPMed below 0.00001; gnomAD 0.00001.
gnomAD v4.1: 2 of 1,613,374 alleles (0.00012%); highest among the groups gnomAD compares: Admixed American, 0.0033%; no homozygotes.

Submission:

Labcorp Genetics (formerly Invitae), Labcorp
Classification: Uncertain significance for Charcot-Marie-Tooth disease type 2. Last evaluated: 2023-12-12. Review status: criteria provided, single submitter. Criteria: Invitae Variant Classification Sherloc (09022015). Collection method: clinical testing. Allele origin: germline.
Comment: This sequence change replaces alanine, which is neutral and non-polar, with valine, which is neutral and non-polar, at codon 485 of the MFN2 protein (p.Ala485Val). This variant is not present in population databases (gnomAD no frequency). This variant has not been reported in the literature in individuals affected with MFN2-related conditions. Algorithms developed to predict the effect of missense changes on protein structure and function output the following: SIFT: "Not Available"; PolyPhen-2: "Benign"; Align-GVGD: "Not Available". The valine amino acid residue is found in multiple mammalian species, which suggests that this missense change does not adversely affect protein function. In summary, the available evidence is currently insufficient to determine the role of this variant in disease. Therefore, it has been classified as a Variant of Uncertain Significance.